The following is an entry in ClinVar:

ClinVar aggregate classification (germline): Conflicting classifications of pathogenicity. Review status: criteria provided, conflicting classifications (1 of 4 stars). 5 submissions from 5 submitters: Uncertain significance (4); Likely benign (1). Last evaluated 2025-12-11.

Conditions:
Inborn genetic diseases. Identifiers: MedGen C0950123, MeSH D030342.
Autosomal recessive hypophosphatemic bone disease (HHRH). Also called: HYPERCALCIURIC RICKETS; Hypophosphatemic rickets with hypercalciuria. Identifiers: Orphanet 157215, MedGen C1853271, MONDO:0009431, OMIM 241530.

Allele frequency attached by ClinVar (database versions not stated): gnomAD 0.00006 and 0.00009; TOPMed 0.00011; 1000 Genomes Project 30x 0.00094; 1000 Genomes Project 0.00120.

Submissions (5):

Ambry Genetics
Classification: Likely benign for Inborn genetic diseases. Last evaluated: 2025-12-11. Review status: criteria provided, single submitter. Criteria: Ambry Variant Classification Scheme 2023. Collection method: clinical testing. Allele origin: germline.

Blueprint Genetics
Classification: Uncertain significance. Last evaluated: 2024-10-22. Review status: criteria provided, single submitter. Criteria: ACMG Guidelines, 2015. Collection method: clinical testing. Allele origin: germline.

Fulgent Genetics
Classification: Uncertain significance for Autosomal recessive hypophosphatemic bone disease. Last evaluated: 2024-04-16. Review status: criteria provided, single submitter. Criteria: ACMG Guidelines, 2015. Collection method: clinical testing. Allele origin: germline.

Labcorp Genetics (formerly Invitae), Labcorp
Classification: Uncertain significance. Last evaluated: 2022-06-14. Review status: criteria provided, single submitter. Criteria: Invitae Variant Classification Sherloc (09022015). Collection method: clinical testing. Allele origin: germline.
Comment: This sequence change replaces alanine, which is neutral and non-polar, with valine, which is neutral and non-polar, at codon 233 of the SLC34A3 protein (p.Ala233Val). This variant is present in population databases (rs370826757, gnomAD 0.2%). This variant has not been reported in the literature in individuals affected with SLC34A3-related conditions. ClinVar contains an entry for this variant (Variation ID: 198611). Algorithms developed to predict the effect of missense changes on protein structure and function (SIFT, PolyPhen-2, Align-GVGD) all suggest that this variant is likely to be tolerated. In summary, the available evidence is currently insufficient to determine the role of this variant in disease. Therefore, it has been classified as a Variant of Uncertain Significance.

Eurofins Ntd Llc (ga)
Classification: Uncertain significance. Last evaluated: 2014-10-08. Review status: criteria provided, single submitter. Criteria: EGL Classification Definitions 2015. Collection method: clinical testing. Allele origin: germline. Observed: 1 variant allele, 1 heterozygote.

NM_001177316.2(SLC34A3):c.698C>T (p.Ala233Val)

Gene: SLC34A3 (solute carrier family 34 member 3; plus strand). Cytogenetic location: 9q34.3.
Variant type: single nucleotide variant.
Coding change: c.698C>T on transcript NM_001177316.2 (MANE Select); coding-DNA position 698, C replaced by T.
Protein change: p.Ala233Val; replaces alanine 233 with valine.
Molecular consequence: missense variant.
Genome position (GRCh38, 1-based): chr9:137,233,346, C>T. VCF-style: chr9-137233346-C-T. GRCh37 (hg19) VCF-style: chr9-140127798-C-T.
Other names: c.698C>T, p.Ala233Val (NM_001177317.2, NM_080877.3); c.698C>T (NM_080877.2); short protein forms A233V.
Identifiers: ClinVar variation 198611 (VCV000198611.10), dbSNP rs370826757, ClinGen allele CA247363.